The following is an entry in ClinVar:

ClinVar aggregate classification (germline): Uncertain significance (3 of 4 stars; one submission).

Conditions:
Monogenic diabetes. Identifiers: Orphanet 183625, MedGen C3888631, MONDO:0015967.

Submission:

ClinGen Monogenic Diabetes Variant Curation Expert Panel
Classification: Uncertain significance for Monogenic diabetes. Last evaluated: 2025-06-27. Review status: reviewed by expert panel. Criteria: ClinGen Diabetes ACMG Specifications HNF1A V2.1.0. Collection method: curation. Allele origin: germline. Inheritance: Autosomal dominant inheritance.
Comment: The c.773T>C variant in the HNF1 homeobox A gene, HNF1A, causes an amino acid change of leucine to proline at codon 258 (p.(Leu258Pro)) of NM_000545.8. This variant is absent from gnomAD v2.1.1 and v4.1.0 (PM2_Supporting). This variant is located within a conserved region of the DNA binding domain (codons 107-174 and 201-280) of HNF1A, which is defined as critical for the protein’s function by the ClinGen MDEP (PM1_Supporting). This variant is predicted to be deleterious by computational evidence, with a REVEL score of 0.956, which is greater than the MDEP VCEP threshold of 0.70 (PP3). In summary, c.773T>C meets the criteria to be classified as a variant of uncertain significance for monogenic diabetes. ACMG/AMP criteria applied, as specified by the ClinGen MDEP (specification version 2.1.0, approved 8/11/2023): PM1_Supporting, PM2_Supporting, PP3.

NM_000545.8(HNF1A):c.773T>C (p.Leu258Pro)

Gene: HNF1A (HNF1 homeobox A; plus strand). Cytogenetic location: 12q24.31.
Variant type: single nucleotide variant.
Coding change: c.773T>C on transcript NM_000545.8 (MANE Select); coding-DNA position 773, T replaced by C.
Protein change: p.Leu258Pro; replaces leucine 258 with proline.
Molecular consequence: missense variant.
Genome position (GRCh38, 1-based): chr12:120,994,223, T>C. VCF-style: chr12-120994223-T-C. GRCh37 (hg19) VCF-style: chr12-121432026-T-C.
Other names: NM_001306179.2:c.773T>C; c.773T>C, p.Leu258Pro (NM_001306179.2, NM_001406915.1); short protein forms L258P.
Identifiers: ClinVar variation 3906942 (VCV003906942.1).